The following is an entry in ClinVar:

ClinVar aggregate classification (germline): Uncertain significance (1 of 4 stars; one submission).

Conditions:
Catecholaminergic polymorphic ventricular tachycardia (CVPT). Also called: Catecholamine-induced polymorphic ventricular tachycardia. Identifiers: Orphanet 3286, MedGen C5574922, MONDO:0017990.

Submission:

All of Us Research Program, National Institutes of Health
Classification: Uncertain significance for Catecholaminergic polymorphic ventricular tachycardia. Last evaluated: 2023-04-27. Review status: criteria provided, single submitter. Criteria: ACMG Guidelines, 2015. Collection method: clinical testing. Allele origin: germline. Inheritance: Autosomal dominant inheritance. Observed: 1 variant allele, 1 heterozygote.
Comment: This study involves interpretation of variants in research participants for the purpose of population health screening. Participant phenotype was not available at the time of variant classification. Additional details can be found in publication PMID: 35346344, PMCID: PMC8962531

NM_001035.3(RYR2):c.13114G>C (p.Glu4372Gln)

Genes: RYR2 (ryanodine receptor 2; plus strand), LOC126806068 (BRD4-independent group 4 enhancer GRCh37_chr1:237947411-237948610; plus strand). Cytogenetic location: 1q43.
Variant type: single nucleotide variant.
Coding change: c.13114G>C on transcript NM_001035.3 (MANE Select); coding-DNA position 13114, G replaced by C.
Protein change: p.Glu4372Gln; replaces glutamic acid 4372 with glutamine.
Molecular consequence: missense variant.
Genome position (GRCh38, 1-based): chr1:237,784,826, G>C. VCF-style: chr1-237784826-G-C. GRCh37 (hg19) VCF-style: chr1-237948126-G-C.
Other names: short protein forms E4372Q.
Identifiers: ClinVar variation 3070034 (VCV003070034.1), dbSNP rs1294591565, ClinGen allele CA345415338.